The following is an entry in ClinVar:

ClinVar aggregate classification (germline): Uncertain significance (1 of 4 stars; one submission).

Allele frequency attached by ClinVar (database versions not stated): gnomAD exomes below 0.00001; TOPMed below 0.00001; gnomAD 0.00001.
gnomAD v4.1: 4 of 1,613,938 alleles (0.00025%); highest among the groups gnomAD compares: Admixed American, 0.005%; no homozygotes.

Submission:

Labcorp Genetics (formerly Invitae), Labcorp
Classification: Uncertain significance. Last evaluated: 2022-06-23. Review status: criteria provided, single submitter. Criteria: Invitae Variant Classification Sherloc (09022015). Collection method: clinical testing. Allele origin: germline.
Comment: This sequence change replaces glutamic acid, which is acidic and polar, with valine, which is neutral and non-polar, at codon 95 of the HSPG2 protein (p.Glu95Val). This variant is present in population databases (no rsID available, gnomAD 0.006%). This variant has not been reported in the literature in individuals affected with HSPG2-related conditions. Algorithms developed to predict the effect of missense changes on protein structure and function (SIFT, PolyPhen-2, Align-GVGD) all suggest that this variant is likely to be tolerated. In summary, the available evidence is currently insufficient to determine the role of this variant in disease. Therefore, it has been classified as a Variant of Uncertain Significance.

NM_005529.7(HSPG2):c.284A>T (p.Glu95Val)

Gene: HSPG2 (heparan sulfate proteoglycan 2; minus strand). Cytogenetic location: 1p36.12.
Variant type: single nucleotide variant.
Coding change: c.284A>T on transcript NM_005529.7 (MANE Select); coding-DNA position 284, A replaced by T.
Protein change: p.Glu95Val; replaces glutamic acid 95 with valine.
Molecular consequence: missense variant.
Genome position (GRCh38, 1-based): chr1:21,890,655, T>A on the plus strand (A>T on the coding strand, the complement: HSPG2 is on the minus strand). VCF-style: chr1-21890655-T-A. GRCh37 (hg19) VCF-style: chr1-22217148-T-A.
Other names: c.284A>T, p.Glu95Val (NM_001291860.2); short protein forms E95V.
Identifiers: ClinVar variation 2172168 (VCV002172168.4), dbSNP rs1056004722, ClinGen allele CA19087166.